The following is an entry in ClinVar:

ClinVar aggregate classification (germline): Uncertain significance (1 of 4 stars; one submission).

Submission:

CeGaT Center for Human Genetics Tuebingen
Classification: Uncertain significance. Last evaluated: 2024-01-01. Review status: criteria provided, single submitter. Criteria: CeGaT Center For Human Genetics Tuebingen Variant Classification Criteria Version 2. Collection method: clinical testing. Allele origin: germline. Affected: yes. Observed: 1 variant allele.
Comment: SCN1A: PM2, PP3

NM_001165963.4(SCN1A):c.1191A>C (p.Lys397Asn)

Gene: SCN1A (sodium voltage-gated channel alpha subunit 1; minus strand). Cytogenetic location: 2q24.3.
Variant type: single nucleotide variant.
Coding change: c.1191A>C on transcript NM_001165963.4 (MANE Select); coding-DNA position 1191, A replaced by C.
Protein change: p.Lys397Asn; replaces lysine 397 with asparagine.
Molecular consequence: missense variant. On other transcripts: 5 prime UTR variant (1), non-coding transcript variant (1).
Genome position (GRCh38, 1-based): chr2:166,046,956, T>G on the plus strand (A>C on the coding strand, the complement: SCN1A is on the minus strand). VCF-style: chr2-166046956-T-G. GRCh37 (hg19) VCF-style: chr2-166903466-T-G.
Other names: c.1191A>C, p.Lys397Asn (NM_001165964.3, NM_001202435.3, NM_001353948.2 and 10 more transcripts); c.-1235A>C (NM_001353961.2); short protein forms K397N.
Identifiers: ClinVar variation 3026853 (VCV003026853.22), dbSNP rs2468182516, ClinGen allele CA349071013.